The following is an entry in ClinVar:

ClinVar aggregate classification (germline): Likely benign (1 of 4 stars; one submission).

Submission:

GeneDx
Classification: Likely benign. Last evaluated: 2017-02-07. Review status: criteria provided, single submitter. Criteria: GeneDx Variant Classification (06012015). Collection method: clinical testing. Allele origin: germline. Affected: yes.
Comment: This variant is considered likely benign or benign based on one or more of the following criteria: it is a conservative change, it occurs at a poorly conserved position in the protein, it is predicted to be benign by multiple in silico algorithms, and/or has population frequency not consistent with disease.

NM_001160148.2(DDHD1):c.1012+613A>T

Gene: DDHD1 (DDHD domain containing 1; minus strand). Cytogenetic location: 14q22.1.
Variant type: single nucleotide variant.
Coding change: c.1012+613A>T on transcript NM_001160148.2 (MANE Select); 613 bases into the intron after coding-DNA position 1012, A replaced by T.
Molecular consequence: intron variant.
Genome position (GRCh38, 1-based): chr14:53,103,070, T>A on the plus strand (A>T on the coding strand, the complement: DDHD1 is on the minus strand). VCF-style: chr14-53103070-T-A. GRCh37 (hg19) VCF-style: chr14-53569788-T-A.
Other names: c.1012+613A>T (NM_030637.3); c.1013-19A>T (NM_001160147.2).
Identifiers: ClinVar variation 507253 (VCV000507253.1), dbSNP rs771542419, ClinGen allele CA658798214.